The following is an entry in ClinVar:

NM_032043.3(BRIP1):c.1340+1G>A

Gene: BRIP1 (BRCA1 interacting DNA helicase 1; minus strand). Cytogenetic location: 17q23.2.
Variant type: single nucleotide variant.
Coding change: c.1340+1G>A on transcript NM_032043.3 (MANE Select); the canonical splice donor site of the intron after coding-DNA position 1340, G replaced by A.
Molecular consequence: splice donor variant.
Genome position (GRCh38, 1-based): chr17:61,799,099, C>T on the plus strand (G>A on the coding strand, the complement: BRIP1 is on the minus strand). VCF-style: chr17-61799099-C-T. GRCh37 (hg19) VCF-style: chr17-59876460-C-T.
Identifiers: ClinVar variation 481658 (VCV000481658.21), dbSNP rs1555607022, ClinGen allele CA400483267.

ClinVar aggregate classification (germline): Pathogenic/Likely pathogenic. Review status: criteria provided, multiple submitters, no conflicts (2 of 4 stars). 6 submissions from 6 submitters: Pathogenic (1); Likely pathogenic (5). Last evaluated 2025-02-17.

Conditions:
Hereditary cancer-predisposing syndrome. Also called: Hereditary neoplastic syndrome; Neoplastic Syndromes, Hereditary; Tumor predisposition; Hereditary Cancer Syndrome. Identifiers: Orphanet 140162, MedGen C0027672, MeSH D009386, MONDO:0015356.
Fanconi anemia complementation group J. Also called: BRIP1-Related Fanconi Anemia. Identifiers: Orphanet 84, MedGen C1836860, MONDO:0012187, OMIM 609054.
Familial cancer of breast. Also called: BREAST CANCER, FAMILIAL; Hereditary breast cancer; hereditary breast carcinoma. Identifiers: Orphanet 227535, MedGen C0346153, MONDO:0016419, OMIM 114480. Disease mechanism: loss of function.
Malignant tumor of breast. Also called: Malignant breast neoplasm; Cancer breast. Identifiers: MedGen C0006142, MONDO:0007254. Disease mechanism: loss of function.

Allele frequency attached by ClinVar (database versions not stated): gnomAD exomes below 0.00001.
gnomAD v4.1: 1 of 1,610,812 alleles (0.000062%); highest among the groups gnomAD compares: Non-Finnish European, 0.000085%; no homozygotes.

Submissions (6):

Labcorp Genetics (formerly Invitae), Labcorp
Classification: Likely pathogenic for Familial cancer of breast; Fanconi anemia complementation group J. Last evaluated: 2025-02-17. Review status: criteria provided, single submitter. Criteria: Invitae Variant Classification Sherloc (09022015). Collection method: clinical testing. Allele origin: germline.
Comment: This sequence change affects a donor splice site in intron 9 of the BRIP1 gene. It is expected to disrupt RNA splicing. Variants that disrupt the donor or acceptor splice site typically lead to a loss of protein function (PMID: 16199547), and loss-of-function variants in BRIP1 are known to be pathogenic (PMID: 16116423, 17033622, 21964575). This variant is not present in population databases (gnomAD no frequency). Disruption of this splice site has been observed in individual(s) with breast cancer (PMID: 30130155). ClinVar contains an entry for this variant (Variation ID: 481658). Studies have shown that disruption of this splice site is associated with inconclusive levels of altered splicing (internal data). In summary, the currently available evidence indicates that the variant is pathogenic, but additional data are needed to prove that conclusively. Therefore, this variant has been classified as Likely Pathogenic.

Ambry Genetics
Classification: Likely pathogenic for Hereditary cancer-predisposing syndrome. Last evaluated: 2024-10-17. Review status: criteria provided, single submitter. Criteria: Ambry Variant Classification Scheme 2023. Collection method: clinical testing. Allele origin: germline.
Comment: The c.1340+1G>A intronic variant results from a G to A substitution one nucleotide after coding exon 8 of the BRIP1 gene. This variant is considered to be rare based on population cohorts in the Genome Aggregation Database (gnomAD). This nucleotide position is highly conserved in available vertebrate species. In silico splice site analysis predicts that this alteration will weaken the native splice donor site; however, direct evidence is insufficient at this time (Ambry internal data). Alterations that disrupt the canonical splice site are expected to cause aberrant splicing, resulting in an abnormal protein or a transcript that is subject to nonsense-mediated mRNA decay. As such, this alteration is classified as likely pathogenic.

Women's Health and Genetics/Laboratory Corporation of America, LabCorp
Classification: Likely pathogenic for Malignant tumor of breast. Last evaluated: 2024-01-29. Review status: criteria provided, single submitter. Criteria: LabCorp Variant Classification Summary - May 2015. Collection method: clinical testing. Allele origin: germline.
Comment: Variant summary: BR+A571IP1 c.1340+1G>A is located in a canonical splice-site and is predicted to affect mRNA splicing resulting in a significantly altered protein due to either exon skipping, shortening, or inclusion of intronic material. Several computational tools predict a significant impact on normal splicing: three predict the variant abolishes a 5' splicing donor site. However, these predictions have yet to be confirmed by functional studies. The variant was absent in 251080 control chromosomes. c.1340+1G>A has been reported in the literature in at least one individual with breast cancer (e.g., Zheng_2018). However, these report(s) do not provide unequivocal conclusions about association of the variant with breast cancer. To our knowledge, no experimental evidence demonstrating an impact on protein function has been reported. The following publication has been ascertained in the context of this evaluation (PMID: 30130155). ClinVar contains an entry for this variant (Variation ID: 481658). Based on the evidence outlined above, the variant was classified as likely pathogenic.

Myriad Genetics, Inc.
Classification: Likely pathogenic for Familial cancer of breast. Last evaluated: 2023-06-01. Review status: criteria provided, single submitter. Criteria: Myriad Autosomal Dominant, Autosomal Recessive and X-Linked Classification Criteria (2023). Collection method: clinical testing. Allele origin: unknown.
Comment: This variant is considered likely pathogenic. This variant occurs within a consensus splice junction and is predicted to result in abnormal mRNA splicing of either an out-of-frame exon or an in-frame exon necessary for protein stability and/or normal function.

Mendelics
Classification: Likely pathogenic for Familial cancer of breast. Last evaluated: 2019-05-28. Review status: criteria provided, single submitter. Criteria: Mendelics Assertion Criteria 2017. Collection method: clinical testing. Allele origin: unknown.

Revvity Omics, Revvity
Classification: Pathogenic for Fanconi anemia complementation group J. Last evaluated: 2019-04-29. Review status: criteria provided, single submitter. Criteria: ACMG Guidelines, 2015. Collection method: clinical testing. Allele origin: germline.

Literature cited by the submitters: PubMed 16199547 (cited by Labcorp Genetics (formerly Invitae), Labcorp); PubMed 16116423 (cited by Labcorp Genetics (formerly Invitae), Labcorp); PubMed 17033622 (cited by Labcorp Genetics (formerly Invitae), Labcorp); PubMed 21964575 (cited by Labcorp Genetics (formerly Invitae), Labcorp); PubMed 30130155 (cited by Labcorp Genetics (formerly Invitae), Labcorp and Women's Health and Genetics/Laboratory Corporation of America, LabCorp).